The following is an entry in ClinVar:

ClinVar aggregate classification (germline): Pathogenic/Likely pathogenic. Review status: criteria provided, multiple submitters, no conflicts (2 of 4 stars). 2 submissions from 2 submitters: Pathogenic (1); Likely pathogenic (1). Last evaluated 2026-09-01.

Conditions:
Joubert syndrome 3 (JBTS3). Also called: AHI1-related Ciliopathy. Identifiers: Orphanet 220493, MedGen C1837713, MONDO:0012078, OMIM 608629.

Allele frequency attached by ClinVar (database versions not stated): gnomAD exomes below 0.00001.

Submissions (2):

Myriad Genetics, Inc.
Classification: Pathogenic for Joubert syndrome 3. Last evaluated: 2026-09-01. Review status: criteria provided, single submitter. Criteria: Myriad Autosomal Dominant, Autosomal Recessive and X-Linked Classification Criteria (2023). Collection method: clinical testing. Allele origin: unknown.
Comment: NM_001134831.1(AHI1):c.1242_1243delAT(K414Nfs*13) is expected to be pathogenic in the context of Joubert syndrome, AHI1-related. This variant is predicted to lead to an abnormal or absent protein product due to the creation of a premature termination codon in AHI1, a gene where loss-of-function variants are known to be pathogenic. Please note: this variant was assessed in the context of healthy population screening.

GeneDx
Classification: Likely pathogenic. Last evaluated: 2018-04-10. Review status: criteria provided, single submitter. Criteria: GeneDx Variant Classification (06012015). Collection method: clinical testing. Allele origin: germline. Affected: yes.
Comment: The c.1242_1243delAT variant in the AHI1 gene has not been reported previously as a pathogenic variant nor as a benign variant, to our knowledge. The c.1242_1243delAT variant causes a frameshift starting with codon Lysine 414, changes this amino acid to a Asparagine residue, and creates a premature Stop codon at position 13 of the new reading frame, denoted p.Lys414AsnfsX13. This variant is predicted to cause loss of normal protein function either through protein truncation or nonsense-mediated mRNA decay. The c.1242_1243delAT variant is not observed in large population cohorts (Lek et al., 2016). We interpret c.1242_1243delAT as a likely pathogenic variant.

NM_001134831.2(AHI1):c.1242_1243del (p.Lys414fs)

Gene: AHI1 (Abelson helper integration site 1; minus strand). Cytogenetic location: 6q23.3.
Variant type: Deletion.
Coding change: c.1242_1243del on transcript NM_001134831.2 (MANE Select); coding-DNA positions 1242 to 1243, 2 bases deleted (AT; older notation c.1242_1243delAT).
Protein change: p.Lys414fs; shifts the reading frame from lysine 414.
Molecular consequence: frameshift variant.
Genome position (GRCh38, 1-based): chr6:135,455,835-135,455,836, AT deleted on the plus strand (AT on the coding strand, the reverse complement: AHI1 is on the minus strand). VCF-style (leftmost placement, unchanged base first): chr6-135455834-GAT-G. GRCh37 (hg19) VCF-style: chr6-135776972-GAT-G.
Other names: c.1242_1243delAT (NM_017651.4); c.1242_1243del, p.Lys414fs (NM_001134830.2, NM_001134832.2, NM_001350503.2 and 2 more transcripts); short protein forms K414fs.
Identifiers: ClinVar variation 524057 (VCV000524057.3), dbSNP rs1554209758, ClinGen allele CA658796836.